The following is an entry in ClinVar:

NM_024079.5(ALG8):c.440T>G (p.Val147Gly)

Gene: ALG8 (ALG8 alpha-1,3-glucosyltransferase; minus strand). Cytogenetic location: 11q14.1.
Variant type: single nucleotide variant.
Coding change: c.440T>G on transcript NM_024079.5 (MANE Select); coding-DNA position 440, T replaced by G.
Protein change: p.Val147Gly; replaces valine 147 with glycine.
Molecular consequence: missense variant. On other transcripts: 5 prime UTR variant (2), non-coding transcript variant (2).
Genome position (GRCh38, 1-based): chr11:78,121,103, A>C on the plus strand (T>G on the coding strand, the complement: ALG8 is on the minus strand). VCF-style: chr11-78121103-A-C. GRCh37 (hg19) VCF-style: chr11-77832149-A-C.
Other names: c.440T>G, p.Val147Gly (NM_001007027.3, NM_001425221.1, NM_001425222.1 and 13 more transcripts); c.443T>G, p.Val148Gly (NM_001425219.1); c.425T>G, p.Val142Gly (NM_001425220.1); c.287T>G, p.Val96Gly (NM_001425226.1, NM_001425235.1, NM_001425236.1); c.239T>G, p.Val80Gly (NM_001425231.1); c.176T>G, p.Val59Gly (NM_001425234.1, NM_001425239.1); c.-77T>G (NM_001425241.1); c.-111T>G (NM_001425242.1); short protein forms V148G, V147G, V59G, V142G, V80G, V96G.
Identifiers: ClinVar variation 4763418 (VCV004763418.1).

ClinVar aggregate classification (germline): Uncertain significance (1 of 4 stars; one submission).

Conditions:
ALG8 congenital disorder of glycosylation. Also called: CONGENITAL DISORDER OF GLYCOSYLATION, TYPE Ih; CDG Ih; ALG8-CDG. Identifiers: Orphanet 79325, MedGen C2931002, MONDO:0011969, OMIM 608104.

Submission:

Labcorp Genetics (formerly Invitae), Labcorp
Classification: Uncertain significance for ALG8 congenital disorder of glycosylation. Last evaluated: 2025-09-06. Review status: criteria provided, single submitter. Criteria: Invitae Variant Classification Sherloc (09022015). Collection method: clinical testing. Allele origin: germline.
Comment: This sequence change replaces valine, which is neutral and non-polar, with glycine, which is neutral and non-polar, at codon 147 of the ALG8 protein (p.Val147Gly). This variant is not present in population databases (gnomAD no frequency). This variant has not been reported in the literature in individuals affected with ALG8-related conditions. Invitae Evidence Modeling of protein sequence and biophysical properties (such as structural, functional, and spatial information, amino acid conservation, physicochemical variation, residue mobility, and thermodynamic stability) indicates that this missense variant is not expected to disrupt ALG8 protein function with a negative predictive value of 80%. In summary, the available evidence is currently insufficient to determine the role of this variant in disease. Therefore, it has been classified as a Variant of Uncertain Significance.